The following is an entry in ClinVar:

ClinVar aggregate classification (germline): Likely pathogenic (1 of 4 stars; one submission).

Allele frequency attached by ClinVar (database versions not stated): ExAC 0.00001.
gnomAD v4.1: 3 of 1,614,090 alleles (0.00019%); highest among the groups gnomAD compares: East Asian, 0.0022%; no homozygotes.

Submission:

Labcorp Genetics (formerly Invitae), Labcorp
Classification: Likely pathogenic. Last evaluated: 2022-11-04. Review status: criteria provided, single submitter. Criteria: Invitae Variant Classification Sherloc (09022015). Collection method: clinical testing. Allele origin: germline.
Comment: In summary, the currently available evidence indicates that the variant is pathogenic, but additional data are needed to prove that conclusively. Therefore, this variant has been classified as Likely Pathogenic. Algorithms developed to predict the effect of missense changes on protein structure and function (SIFT, PolyPhen-2, Align-GVGD) all suggest that this variant is likely to be disruptive. This missense change has been observed in individual(s) with USH2A-related conditions (PMID: 31054281, 32188678). This variant is present in population databases (rs763576540, gnomAD 0.006%). This sequence change replaces glycine, which is neutral and non-polar, with aspartic acid, which is acidic and polar, at codon 4401 of the USH2A protein (p.Gly4401Asp).

Literature cited by the submitters: PubMed 31054281; PubMed 32188678.

NM_206933.4(USH2A):c.13202G>A (p.Gly4401Asp)

Gene: USH2A (usherin; minus strand). Cytogenetic location: 1q41.
Variant type: single nucleotide variant.
Coding change: c.13202G>A on transcript NM_206933.4 (MANE Select); coding-DNA position 13202, G replaced by A.
Protein change: p.Gly4401Asp; replaces glycine 4401 with aspartic acid.
Molecular consequence: missense variant.
Genome position (GRCh38, 1-based): chr1:215,674,709, C>T on the plus strand (G>A on the coding strand, the complement: USH2A is on the minus strand). VCF-style: chr1-215674709-C-T. GRCh37 (hg19) VCF-style: chr1-215848051-C-T.
Other names: short protein forms G4401D.
Identifiers: ClinVar variation 2971418 (VCV002971418.3), dbSNP rs763576540, ClinGen allele CA1393333.